The following is an entry in ClinVar:

NM_007294.4(BRCA1):c.1096G>C (p.Asp366His)

Gene: BRCA1 (BRCA1 DNA repair associated; minus strand). Cytogenetic location: 17q21.31.
Variant type: single nucleotide variant.
Coding change: c.1096G>C on transcript NM_007294.4 (MANE Select); coding-DNA position 1096, G replaced by C.
Protein change: p.Asp366His; replaces aspartic acid 366 with histidine.
Molecular consequence: missense variant. On other transcripts: intron variant (137).
Genome position (GRCh38, 1-based): chr17:43,094,435, C>G on the plus strand (G>C on the coding strand, the complement: BRCA1 is on the minus strand). VCF-style: chr17-43094435-C-G. GRCh37 (hg19) VCF-style: chr17-41246452-C-G.
Other names: c.883G>C, p.Asp295His (NM_001407571.1, NM_001407853.1, NM_001407894.1 and 9 more transcripts); c.1096G>C, p.Asp366His (NM_001407581.1, NM_001407582.1, NM_001407583.1 and 30 more transcripts); c.1093G>C, p.Asp365His (NM_001407587.1, NM_001407590.1, NM_001407591.1 and 22 more transcripts); c.1087G>C, p.Asp363His (NM_001407646.1, NM_001407647.1); c.973G>C, p.Asp325His (NM_001407648.1, NM_001407664.1, NM_001407665.1 and 19 more transcripts); c.1015G>C, p.Asp339His (NM_001407661.1, NM_001407662.1, NM_001407659.1 and 1 more transcripts); c.1018G>C, p.Asp340His (NM_001407663.1, NM_001407653.1, NM_001407654.1 and 4 more transcripts); c.970G>C, p.Asp324His (NM_001407685.1, NM_001407686.1, NM_001407687.1 and 11 more transcripts); and 40 more; short protein forms D366H, D319H, D255H, D277H, D296H, D299H, D318H, D325H.
Identifiers: ClinVar variation 489705 (VCV000489705.24), dbSNP rs1289961661, ClinGen allele CA10599866.

ClinVar aggregate classification (germline): Conflicting classifications of pathogenicity. Review status: criteria provided, conflicting classifications (1 of 4 stars). 7 submissions from 7 submitters: Uncertain significance (5); Likely benign (2). Last evaluated 2025-07-24.

Conditions:
Hereditary cancer-predisposing syndrome. Also called: Tumor predisposition; Hereditary Cancer Syndrome; Hereditary neoplastic syndrome; Neoplastic Syndromes, Hereditary. Identifiers: Orphanet 140162, MedGen C0027672, MeSH D009386, MONDO:0015356.
Hereditary breast ovarian cancer syndrome. Also called: Breast and ovarian cancer; Hereditary breast and/or ovarian cancer syndrome; BRCA1- and BRCA2-Associated Hereditary Breast and Ovarian Cancer; Hereditary breast and ovarian cancer syndrome; Hereditary breast and ovarian cancer syndrome (HBOC); Hereditary breast and ovarian cancer. Identifiers: Orphanet 145, MedGen C0677776, MeSH D061325, MONDO:0003582. Disease mechanism: loss of function.
Breast-ovarian cancer, familial, susceptibility to, 1 (BROVCA1). Also called: BRCA1 Hereditary Breast and Ovarian Cancer; OVARIAN CANCER, SUSCEPTIBILITY TO. Identifiers: Orphanet 145, MedGen C2676676, MONDO:0011450, OMIM 604370. Disease mechanism: loss of function.
Familial cancer of breast. Also called: BREAST CANCER, FAMILIAL; Hereditary breast cancer; hereditary breast carcinoma. Identifiers: Orphanet 227535, MedGen C0346153, MONDO:0016419, OMIM 114480. Disease mechanism: loss of function.
Fanconi anemia, complementation group S (FANCS). Identifiers: MedGen C4554406, MONDO:0054748, OMIM 617883.

Allele frequency attached by ClinVar (database versions not stated): gnomAD exomes 0.00002.
gnomAD v4.1: 13 of 1,614,110 alleles (0.00081%); highest among the groups gnomAD compares: Non-Finnish European, 0.0011%; no homozygotes.

Submissions (7):

Ambry Genetics
Classification: Uncertain significance for Hereditary cancer-predisposing syndrome. Last evaluated: 2025-07-24. Review status: criteria provided, single submitter. Criteria: Ambry Variant Classification Scheme 2023. Collection method: clinical testing. Allele origin: germline.
Comment: The p.D366H variant (also known as c.1096G>C), located in coding exon 9 of the BRCA1 gene, results from a G to C substitution at nucleotide position 1096. The aspartic acid at codon 366 is replaced by histidine, an amino acid with similar properties. This variant was observed in a study of 1010 unrelated Indian patients with breast and/or ovarian cancer (Singh J et al. Breast Cancer Res Treat, 2018 Jul;170:189-196). This amino acid position is well conserved in available vertebrate species. In addition, the in silico prediction for this alteration is inconclusive. Since supporting evidence is limited at this time, the clinical significance of this alteration remains unclear.

Color Diagnostics, LLC DBA Color Health
Classification: Likely benign for Hereditary cancer-predisposing syndrome. Last evaluated: 2024-08-28. Review status: criteria provided, single submitter. Criteria: ACMG Guidelines, 2015. Collection method: clinical testing. Allele origin: germline.

Labcorp Genetics (formerly Invitae), Labcorp
Classification: Uncertain significance for Hereditary breast ovarian cancer syndrome. Last evaluated: 2023-12-01. Review status: criteria provided, single submitter. Criteria: Invitae Variant Classification Sherloc (09022015). Collection method: clinical testing. Allele origin: germline.
Comment: This sequence change replaces aspartic acid, which is acidic and polar, with histidine, which is basic and polar, at codon 366 of the BRCA1 protein (p.Asp366His). This variant is not present in population databases (gnomAD no frequency). This missense change has been observed in individual(s) with breast and/or ovarian cancer and/or pancreatic cancer (PMID: 29470806, 32255556). ClinVar contains an entry for this variant (Variation ID: 489705). Advanced modeling of protein sequence and biophysical properties (such as structural, functional, and spatial information, amino acid conservation, physicochemical variation, residue mobility, and thermodynamic stability) performed at Invitae indicates that this missense variant is not expected to disrupt BRCA1 protein function with a negative predictive value of 95%. Experimental studies have shown that this missense change does not substantially affect BRCA1 function (PMID: 32546644). In summary, the available evidence is currently insufficient to determine the role of this variant in disease. Therefore, it has been classified as a Variant of Uncertain Significance.

All of Us Research Program, National Institutes of Health
Classification: Uncertain significance for Breast-ovarian cancer, familial, susceptibility to, 1. Last evaluated: 2023-05-04. Review status: criteria provided, single submitter. Criteria: ACMG Guidelines, 2015. Collection method: clinical testing. Allele origin: germline. Inheritance: Autosomal dominant inheritance. Observed: 1 variant allele, 1 heterozygote.
Comment: This missense variant replaces aspartic acid with histidine at codon 366 of the BRCA1 protein. Computational prediction tools and conservation analyses are inconclusive regarding the impact of this variant on protein structure and function. Splice site prediction tools suggest that this variant may not impact RNA splicing. To our knowledge, functional studies have not been performed for this variant. This variant has not been reported in individuals affected with hereditary cancer in the literature. This variant has not been identified in the general population by the Genome Aggregation Database (gnomAD). The available evidence is insufficient to determine the role of this variant in disease conclusively. Therefore, this variant is classified as a Variant of Uncertain Significance.

This study involves interpretation of variants in research participants for the purpose of population health screening. Participant phenotype was not available at the time of variant classification. Additional details can be found in publication PMID: 35346344, PMCID: PMC8962531

University of Washington Department of Laboratory Medicine, University of Washington
Classification: Likely benign for Hereditary cancer-predisposing syndrome. Last evaluated: 2023-03-23. Review status: criteria provided, single submitter. Criteria: Dines et al. (Genet Med. 2020). Collection method: curation. Allele origin: germline.
Comment: Missense variant in a coldspot region where missense variants are very unlikely to be pathogenic (PMID:31911673).

BRCA1 coldspot (exon 11 using historical exon numbering). Reclassification based on statistical prior probability

Department of Pathology and Laboratory Medicine, Sinai Health System
Classification: Uncertain significance for Familial cancer of breast; Breast-ovarian cancer, familial, susceptibility to, 1; Fanconi anemia, complementation group S. Last evaluated: 2022-09-06. Review status: criteria provided, single submitter. Criteria: ACMG Guidelines, 2015. Collection method: clinical testing. Allele origin: germline. Affected: yes.

Neuberg Centre For Genomic Medicine, NCGM
Classification: Uncertain significance for Breast-ovarian cancer, familial, susceptibility to, 1. Review status: criteria provided, single submitter. Criteria: ACMG Guidelines, 2015. Collection method: clinical testing. Allele origin: germline. Inheritance: Autosomal dominant inheritance. Affected: yes.
Comment: The missense variant c.1096G>C (p.Asp366His) in BRCA2 gene has been submitted to ClinVar as a Variant of Uncertain Significance, but no details are available for independent assessment. It has not been reported in affected individuals. The p.Asp366His variant is novel (not in any individuals) in gnomAD exomes and 1000 Genomes. The amino acid Asp at position 366 is changed to a His changing protein sequence and it might alter its composition and physicochemical properties. For these reasons, this variant has been classified as Uncertain Significance (VUS).

Literature cited by the submitters: PubMed 29470806 (cited by Ambry Genetics and Labcorp Genetics (formerly Invitae), Labcorp); PubMed 32255556 (cited by Labcorp Genetics (formerly Invitae), Labcorp); PubMed 32546644 (cited by Labcorp Genetics (formerly Invitae), Labcorp).